The following is an entry in ClinVar:

NM_001367823.1(ARHGEF18):c.2197G>A (p.Val733Ile)

Gene: ARHGEF18 (Rho/Rac guanine nucleotide exchange factor 18; plus strand). Cytogenetic location: 19p13.2.
Variant type: single nucleotide variant.
Coding change: c.2197G>A on transcript NM_001367823.1 (MANE Select); coding-DNA position 2197, G replaced by A.
Protein change: p.Val733Ile; replaces valine 733 with isoleucine.
Molecular consequence: missense variant.
Genome position (GRCh38, 1-based): chr19:7,458,527, G>A. VCF-style: chr19-7458527-G-A. GRCh37 (hg19) VCF-style: chr19-7523413-G-A.
Other names: c.1471G>A, p.Val491Ile (NM_001130955.2); c.1159G>A, p.Val387Ile (NM_001367824.1, NM_015318.4); c.1633G>A (NM_001130955.1); short protein forms V491I, V387I, V733I.
Identifiers: ClinVar variation 1920001 (VCV001920001.4), dbSNP rs753688534, ClinGen allele CA9136761.

ClinVar aggregate classification (germline): Uncertain significance. Review status: criteria provided, multiple submitters, no conflicts (2 of 4 stars). 2 submissions from 2 submitters: Uncertain significance (2). Last evaluated 2025-05-18.

Conditions:
Inborn genetic diseases. Identifiers: MedGen C0950123, MeSH D030342.

Allele frequency attached by ClinVar (database versions not stated): gnomAD exomes 0.00001; gnomAD 0.00001; TOPMed 0.00001.
gnomAD v4.1: 23 of 1,613,826 alleles (0.0014%); highest among the groups gnomAD compares: South Asian, 0.0066%; no homozygotes.

Submissions (2):

Ambry Genetics
Classification: Uncertain significance for Inborn genetic diseases. Last evaluated: 2025-05-18. Review status: criteria provided, single submitter. Criteria: Ambry Variant Classification Scheme 2023. Collection method: clinical testing. Allele origin: germline.

Labcorp Genetics (formerly Invitae), Labcorp
Classification: Uncertain significance. Last evaluated: 2022-08-31. Review status: criteria provided, single submitter. Criteria: Invitae Variant Classification Sherloc (09022015). Collection method: clinical testing. Allele origin: germline.
Comment: In summary, the available evidence is currently insufficient to determine the role of this variant in disease. Therefore, it has been classified as a Variant of Uncertain Significance. Algorithms developed to predict the effect of missense changes on protein structure and function output the following: SIFT: "Deleterious"; PolyPhen-2: "Benign"; Align-GVGD: "Class C25". The isoleucine amino acid residue is found in multiple mammalian species, which suggests that this missense change does not adversely affect protein function. This variant has not been reported in the literature in individuals affected with ARHGEF18-related conditions. This variant is present in population databases (rs753688534, gnomAD 0.006%). This sequence change replaces valine, which is neutral and non-polar, with isoleucine, which is neutral and non-polar, at codon 545 of the ARHGEF18 protein (p.Val545Ile).